The following is an entry in ClinVar:

ClinVar aggregate classification (germline): Uncertain significance. Review status: criteria provided, multiple submitters, no conflicts (2 of 4 stars). 3 submissions from 3 submitters: Uncertain significance (3). Last evaluated 2025-01-21.

Conditions:
Cardiovascular phenotype. Identifiers: MedGen CN230736.

gnomAD v4.1: 2 of 1,569,602 alleles (0.00013%); highest among the groups gnomAD compares: Admixed American, 0.0038%; no homozygotes.

Submissions (3):

Ambry Genetics
Classification: Uncertain significance for Cardiovascular phenotype. Last evaluated: 2025-01-21. Review status: criteria provided, single submitter. Criteria: Ambry Variant Classification Scheme 2023. Collection method: clinical testing. Allele origin: germline.

Labcorp Genetics (formerly Invitae), Labcorp
Classification: Uncertain significance. Last evaluated: 2023-06-22. Review status: criteria provided, single submitter. Criteria: Invitae Variant Classification Sherloc (09022015). Collection method: clinical testing. Allele origin: germline.
Comment: This sequence change replaces leucine, which is neutral and non-polar, with valine, which is neutral and non-polar, at codon 1304 of the ALPK3 protein (p.Leu1304Val). This variant is present in population databases (no rsID available, gnomAD 0.008%). This variant has not been reported in the literature in individuals affected with ALPK3-related conditions. ClinVar contains an entry for this variant (Variation ID: 1710745). An algorithm developed to predict the effect of missense changes on protein structure and function (PolyPhen-2) suggests that this variant is likely to be tolerated. In summary, the available evidence is currently insufficient to determine the role of this variant in disease. Therefore, it has been classified as a Variant of Uncertain Significance.

GeneDx
Classification: Uncertain significance. Last evaluated: 2022-04-11. Review status: criteria provided, single submitter. Criteria: GeneDx Variant Classification Process June 2021. Collection method: clinical testing. Allele origin: germline. Affected: yes.
Comment: Has not been previously published as pathogenic or benign to our knowledge; Not observed at significant frequency in large population cohorts (gnomAD); In silico analysis supports that this missense variant does not alter protein structure/function

NM_020778.5(ALPK3):c.3304C>G (p.Leu1102Val)

Gene: ALPK3 (alpha kinase 3; plus strand). Cytogenetic location: 15q25.3.
Variant type: single nucleotide variant.
Coding change: c.3304C>G on transcript NM_020778.5 (MANE Select); coding-DNA position 3304, C replaced by G.
Protein change: p.Leu1102Val; replaces leucine 1102 with valine.
Molecular consequence: missense variant.
Genome position (GRCh38, 1-based): chr15:84,858,042, C>G. VCF-style: chr15-84858042-C-G. GRCh37 (hg19) VCF-style: chr15-85401273-C-G.
Other names: c.3910C>G (NM_020778.4); short protein forms L1102V.
Identifiers: ClinVar variation 1710745 (VCV001710745.6), dbSNP rs901021667, ClinGen allele CA393360002.